The following is an entry in ClinVar:

ClinVar aggregate classification (germline): Pathogenic (1 of 4 stars; one submission).

Submission:

GeneDx
Classification: Pathogenic. Last evaluated: 2016-08-12. Review status: criteria provided, single submitter. Criteria: GeneDx Variant Classification (06012015). Collection method: clinical testing. Allele origin: germline. Affected: yes.
Comment: The c.173_174insT pathogenic variant in the c.173_174insT gene has not been reported previously as a pathogenic variant nor as a benign variant, to our knowledge. The c.173_174insT variant causes a frameshift starting with codon Glutamine 59, changes this amino acid to a Alanine residue, and creates a premature Stop codon at position 142 of the new reading frame, denoted p.Gln59AlafsX142. This variant is predicted to cause loss of normal protein function through protein truncation; it causes the deletion of the last 264 amino acids and an insertion of 141 incorrect amino acids. The c.173_174insT variant was not observed in approximately 6500 individuals of European and African American ancestry in the NHLBI Exome Sequencing Project, indicating it is not a common benign variant in these populations. We interpret c.173_174insT as a pathogenic variant

NM_005859.5(PURA):c.173_174insT (p.Gln59fs)

Gene: PURA (purine rich element binding protein A; plus strand). Cytogenetic location: 5q31.3.
Variant type: Insertion.
Coding change: c.173_174insT on transcript NM_005859.5 (MANE Select); coding-DNA positions 173 to 174, T inserted.
Protein change: p.Gln59fs; shifts the reading frame from glutamine 59.
Molecular consequence: frameshift variant.
Genome position: GRCh38 VCF-style: chr5-140114354-C-CT. GRCh37 (hg19) VCF-style: chr5-139493939-C-CT.
Other names: short protein forms Q59fs.
Identifiers: ClinVar variation 421948 (VCV000421948.2), dbSNP rs1064795465, ClinGen allele CA16618121.